The following is an entry in ClinVar:

ClinVar aggregate classification (germline): Uncertain significance. Review status: criteria provided, multiple submitters, no conflicts (2 of 4 stars). 2 submissions from 2 submitters: Uncertain significance (2). Last evaluated 2026-04-14.

Conditions:
Familial intrahepatic cholestasis. Identifiers: Orphanet 284385, MedGen CN296401, MONDO:0017290.
Progressive familial intrahepatic cholestasis type 2. Identifiers: Orphanet 79304, MedGen C3489789, MONDO:0011156, OMIM 601847.

gnomAD v4.1: 4 of 1,607,088 alleles (0.00025%); highest among the groups gnomAD compares: Non-Finnish European, 0.00034%; no homozygotes.

Submissions (2):

Genomenon, Inc
Classification: Uncertain significance for Familial intrahepatic cholestasis. Last evaluated: 2026-04-14. Review status: criteria provided, single submitter. Criteria: Genomenon Sequence Variant Interpretation Standards - Updated. Collection method: curation. Allele origin: germline. Affected: yes.
Comment: ABCB11 p.Cys1083Arg (c.3247T>C) is a missense variant that changes the amino acid at residue 1083 from Cysteine to Arginine. This variant has been observed in at least one proband with an ABCB11-related disorder (PMID:19797282). It is absent or not present at a significant frequency in gnomAD. In silico models predict that this variant is possibly or probably damaging. In conclusion, we classify ABCB11 p.Cys1083Arg (c.3247T>C) as a variant of uncertain significance.

Broad Center for Mendelian Genomics, Broad Institute of MIT and Harvard
Classification: Uncertain significance for Progressive familial intrahepatic cholestasis type 2. Last evaluated: 2025-01-23. Review status: criteria provided, single submitter. Criteria: ACMG Guidelines, 2015. Collection method: curation. Allele origin: germline. Inheritance: Autosomal recessive inheritance.
Comment: The p.Cys1083Arg variant in ABCB11 has been reported, in the homozygous state, in 1 individual with BSEP deficiency (PMID: 21490445), and has been identified in 0.0003% (4/1176726) of European (non-Finnish) chromosomes by the Genome Aggregation Database (gnomAD). Although this variant has been seen in the general population in a heterozygous state, its frequency is low enough to be consistent with a recessive carrier frequency. Computational prediction tools and conservation analyses suggest that this variant may impact the protein, though this information is not predictive enough to determine pathogenicity. In summary, the clinical significance of the p.Cys1083Arg variant is uncertain. ACMG/AMP Criteria applied: PP3_moderate, PM2_supporting, PM3_supporting (Richards 2015).

Literature cited by the submitters: PubMed 19797282 (cited by Genomenon, Inc).

NM_003742.4(ABCB11):c.3247T>C (p.Cys1083Arg)

Gene: ABCB11 (ATP binding cassette subfamily B member 11; minus strand). Cytogenetic location: 2q31.1.
Variant type: single nucleotide variant.
Coding change: c.3247T>C on transcript NM_003742.4 (MANE Select); coding-DNA position 3247, T replaced by C.
Protein change: p.Cys1083Arg; replaces cysteine 1083 with arginine.
Molecular consequence: missense variant.
Genome position (GRCh38, 1-based): chr2:168,930,829, A>G on the plus strand (T>C on the coding strand, the complement: ABCB11 is on the minus strand). VCF-style: chr2-168930829-A-G. GRCh37 (hg19) VCF-style: chr2-169787339-A-G.
Other names: NM_003742.4:c.3247T>C; short protein forms C1083R.
Identifiers: ClinVar variation 3776837 (VCV003776837.2).
Genomic context (GRCh38, chr2:168,930,829, plus strand): 5'-TCGACACTGAGAGACCATTCAGAACTTGCGAGTCAGGTCGAGAAGGATATGTAAATTTAC[A>G]ATCAACAAAATCAATCTTCCCCTGGAAGTTGTCCTGTGGATGGGAGGATCAAAATTAGAG-3'
Protein context (NP_003733.2, residues 1073-1093): NFQGKIDFVD[Cys1083Arg]KFTYPSRPDS